The following is an entry in ClinVar:

NM_001243133.2(NLRP3):c.2029C>G (p.Leu677Val)

Gene: NLRP3 (NLR family pyrin domain containing 3; plus strand). Cytogenetic location: 1q44.
Variant type: single nucleotide variant.
Coding change: c.2029C>G on transcript NM_001243133.2 (MANE Select); coding-DNA position 2029, C replaced by G.
Protein change: p.Leu677Val; replaces leucine 677 with valine.
Molecular consequence: missense variant.
Genome position (GRCh38, 1-based): chr1:247,425,478, C>G. VCF-style: chr1-247425478-C-G. GRCh37 (hg19) VCF-style: chr1-247588780-C-G.
Other names: c.2029C>G, p.Leu677Val (NM_001079821.3, NM_001127461.3, NM_001127462.3 and 1 more transcripts); c.2035C>G, p.Leu679Val (NM_004895.5); short protein forms L677V, L679V.
Identifiers: ClinVar variation 1053915 (VCV001053915.10), dbSNP rs2103113605, ClinGen allele CA345558503.
Genomic context (GRCh38, chr1:247,425,478, plus strand): 5'-ACCAGAATGGACCACATGGTTTCTTCCTTTTGCATTGAGAACTGTCATCGGGTGGAGTCA[C>G]TGTCCCTGGGGTTTCTCCATAACATGCCCAAGGAGGAAGAGGAGGAGGAAAAGGAAGGCC-3'
Protein context (NP_001230062.1, residues 667-687): CIENCHRVES[Leu677Val]SLGFLHNMPK

ClinVar aggregate classification (germline): Uncertain significance. Review status: criteria provided, multiple submitters, no conflicts (2 of 4 stars). 2 submissions from 2 submitters: Uncertain significance (2). Last evaluated 2021-07-06.

Conditions:
Cryopyrin associated periodic syndrome (CAPS). Identifiers: Orphanet 208650, MedGen C2316212, MONDO:0016168.

Submissions (2):

Blueprint Genetics
Classification: Uncertain significance. Last evaluated: 2021-07-06. Review status: criteria provided, single submitter. Criteria: ACMG Guidelines, 2015. Collection method: clinical testing. Allele origin: germline.

Labcorp Genetics (formerly Invitae), Labcorp
Classification: Uncertain significance for Cryopyrin associated periodic syndrome. Last evaluated: 2021-05-10. Review status: criteria provided, single submitter. Criteria: Invitae Variant Classification Sherloc (09022015). Collection method: clinical testing. Allele origin: germline.
Comment: This variant has not been reported in the literature in individuals with NLRP3-related conditions. This variant is not present in population databases (ExAC no frequency). This sequence change replaces leucine with valine at codon 679 of the NLRP3 protein (p.Leu679Val). The leucine residue is highly conserved and there is a small physicochemical difference between leucine and valine. Algorithms developed to predict the effect of missense changes on protein structure and function output the following: SIFT: "Tolerated"; PolyPhen-2: "Possibly Damaging"; Align-GVGD: "Class C0". The valine amino acid residue is found in multiple mammalian species, suggesting that this missense change does not adversely affect protein function. These predictions have not been confirmed by published functional studies and their clinical significance is uncertain. In summary, the available evidence is currently insufficient to determine the role of this variant in disease. Therefore, it has been classified as a Variant of Uncertain Significance.